The following is an entry in ClinVar:

NM_014915.3(ANKRD26):c.644A>C (p.His215Pro)

Gene: ANKRD26 (ankyrin repeat domain containing 26; minus strand). Cytogenetic location: 10p12.1.
Variant type: single nucleotide variant.
Coding change: c.644A>C on transcript NM_014915.3 (MANE Select); coding-DNA position 644, A replaced by C.
Protein change: p.His215Pro; replaces histidine 215 with proline.
Molecular consequence: missense variant.
Genome position (GRCh38, 1-based): chr10:27,086,604, T>G on the plus strand (A>C on the coding strand, the complement: ANKRD26 is on the minus strand). VCF-style: chr10-27086604-T-G. GRCh37 (hg19) VCF-style: chr10-27375533-T-G.
Other names: c.644A>C, p.His215Pro (NM_001256053.2); short protein forms H215P.
Identifiers: ClinVar variation 3870215 (VCV003870215.1).

ClinVar aggregate classification (germline): Uncertain significance (1 of 4 stars; one submission).

Conditions:
Inborn genetic diseases. Identifiers: MedGen C0950123, MeSH D030342.

Submission:

Ambry Genetics
Classification: Uncertain significance for Inborn genetic diseases. Last evaluated: 2025-01-09. Review status: criteria provided, single submitter. Criteria: Ambry Variant Classification Scheme 2023. Collection method: clinical testing. Allele origin: germline.
Comment: The p.H215P variant (also known as c.644A>C), located in coding exon 5 of the ANKRD26 gene, results from an A to C substitution at nucleotide position 644. The histidine at codon 215 is replaced by proline, an amino acid with similar properties. This amino acid position is conserved. In addition, this alteration is predicted to be tolerated by in silico analysis. Based on the available evidence, the clinical significance of this variant remains unclear.